The following is an entry in ClinVar:

ClinVar aggregate classification (germline): Conflicting classifications of pathogenicity. Review status: criteria provided, conflicting classifications (1 of 4 stars). 2 submissions from 2 submitters: Pathogenic (1); Uncertain significance (1). Last evaluated 2025-05-09.

Conditions:
Marfan syndrome (MFS). Also called: FBN1-Related Marfan Syndrome; Marfan syndrome type 1; Marfan's syndrome; Marfan syndrome, classic; MARFAN SYNDROME, TYPE I. Identifiers: Orphanet 284963, Orphanet 558, MedGen C0024796, MONDO:0007947, OMIM 154700.
FBN1-related disorder. Also called: FBN1-related disorders.

Submissions (2):

3billion
Classification: Uncertain significance for Marfan syndrome. Last evaluated: 2025-05-09. Review status: criteria provided, single submitter. Criteria: ACMG Guidelines, 2015. Collection method: clinical testing. Allele origin: germline. Affected: yes.
Comment: The variant is not observed in the gnomAD v4.1.0 dataset. Predicted Consequence/Location: Intron variant In silico tools predict the variant to alter splicing and produce an abnormal transcript [SpliceAI: 1.00 (>=0.2, moderate evidence for spliceogenicity)]. The variant has been reported to be associated with FBN1-related disorder (ClinVar ID: VCV000636865 /PMID: 29220879). However, the evidence of pathogenicity is insufficient at this time. Therefore, this variant is classified as VUS according to the recommendation of ACMG/AMP guideline.

Blueprint Genetics
Classification: Pathogenic for FBN1-related disorders. Last evaluated: 2023-05-30. Review status: criteria provided, single submitter. Criteria: ACMG Guidelines, 2015. Collection method: clinical testing. Allele origin: germline. Affected: yes. Observed: 2 variant alleles.

Literature cited by the submitters: PubMed 29220879 (cited by 3billion).

NM_000138.5(FBN1):c.1589-9T>A

Gene: FBN1 (fibrillin 1; minus strand). Cytogenetic location: 15q21.1.
Variant type: single nucleotide variant.
Coding change: c.1589-9T>A on transcript NM_000138.5 (MANE Select); 9 bases into the intron before coding-DNA position 1589, T replaced by A.
Molecular consequence: intron variant.
Genome position (GRCh38, 1-based): chr15:48,510,178, A>T on the plus strand (T>A on the coding strand, the complement: FBN1 is on the minus strand). VCF-style: chr15-48510178-A-T. GRCh37 (hg19) VCF-style: chr15-48802375-A-T.
Identifiers: ClinVar variation 636865 (VCV000636865.3), dbSNP rs1597578071, ClinGen allele CA915946603.
Genomic context (GRCh38, chr15:48,510,178, plus strand): 5'-ATGCAGCGTCCATTATTGCAGATCCGGCCATTCTGTAAACACTCATCAATGTCTAAAATC[A>T]AAGTTTAAAAAGAAGAAATAGCTTTATTTAGGGGAGTTAAAATTATTTTATTTCCCCCTC-3'